The following is an entry in ClinVar:

NM_012197.4(RABGAP1):c.3066G>A (p.Val1022=)

Gene: RABGAP1 (RAB GTPase activating protein 1; plus strand). Cytogenetic location: 9q33.3.
Variant type: single nucleotide variant.
Coding change: c.3066G>A on transcript NM_012197.4 (MANE Select); coding-DNA position 3066, G replaced by A.
Protein change: p.Val1022=; no amino-acid change (valine 1022 retained).
Molecular consequence: synonymous variant.
Genome position (GRCh38, 1-based): chr9:123,101,742, G>A. VCF-style: chr9-123101742-G-A. GRCh37 (hg19) VCF-style: chr9-125864021-G-A.
Identifiers: ClinVar variation 4534656 (VCV004534656.6).

ClinVar aggregate classification (germline): Likely benign (1 of 4 stars; one submission).

Submission:

CeGaT Center for Human Genetics Tuebingen
Classification: Likely benign. Last evaluated: 2025-10-01. Review status: criteria provided, single submitter. Criteria: CeGaT Center For Human Genetics Tuebingen Variant Classification Criteria Version 2. Collection method: clinical testing. Allele origin: germline. Affected: yes. Observed: 1 variant allele.
Comment: RABGAP1: PM2:Supporting, BP4, BP7